The following is an entry in ClinVar:

NM_001182.5(ALDH7A1):c.1566-1G>T

Gene: ALDH7A1 (aldehyde dehydrogenase 7 family member A1; minus strand). Cytogenetic location: 5q23.2.
Variant type: single nucleotide variant.
Coding change: c.1566-1G>T on transcript NM_001182.5 (MANE Select); the canonical splice acceptor site of the intron before coding-DNA position 1566, G replaced by T.
Molecular consequence: splice acceptor variant.
Genome position (GRCh38, 1-based): chr5:126,545,020, C>A on the plus strand (G>T on the coding strand, the complement: ALDH7A1 is on the minus strand). VCF-style: chr5-126545020-C-A. GRCh37 (hg19) VCF-style: chr5-125880712-C-A.
Other names: c.1374-1G>T (NM_001202404.2); c.1482-1G>T (NM_001201377.2).
Identifiers: ClinVar variation 374140 (VCV000374140.51), dbSNP rs140845195, ClinGen allele CA3389347.

ClinVar aggregate classification (germline): Pathogenic. Review status: criteria provided, multiple submitters, no conflicts (2 of 4 stars). 9 submissions from 8 submitters: Pathogenic (8). 1 of the submissions does not count toward it. Last evaluated 2023-12-20.

Conditions:
Pyridoxine-dependent epilepsy (EPEO4). Also called: Pyridoxine-Dependent Epilepsy - ALDH7A1; Pyridoxine-Dependent Seizures; PYRIDOXINE DEPENDENCY WITH SEIZURES; EPILEPSY, EARLY-ONSET, 4, VITAMIN B6-DEPENDENT. Identifiers: Orphanet 3006, MedGen C1849508, MONDO:0009945, OMIM 266100. Disease mechanism: loss of function.
ALDH7A1-related disorder. Also called: ALDH7A1-related condition.
Pyridoxine-dependent epilepsy caused by ALDH7A1 mutant. Identifiers: MedGen CN293409, MONDO:0020741.
Seizure. Also called: Seizures. Identifiers: MedGen C0036572, HP:0001250.
Ventriculomegaly. Identifiers: MedGen C1531647, HP:0002119.

Allele frequency attached by ClinVar (database versions not stated): gnomAD 0.00001; gnomAD exomes 0.00001; TOPMed 0.00002; ESP Exome Variant Server 0.00008.
gnomAD v4.1: 14 of 1,604,084 alleles (0.00087%); highest among the groups gnomAD compares: Non-Finnish European, 0.0012%; no homozygotes.

Submissions (9):

Blueprint Genetics
Classification: Pathogenic for ALDH7A1-related disorders. Last evaluated: 2023-12-20. Review status: criteria provided, single submitter. Criteria: ACMG Guidelines, 2015. Collection method: clinical testing. Allele origin: germline. Affected: yes. Observed: 5 variant alleles.

GeneDx
Classification: Pathogenic. Last evaluated: 2023-10-31. Review status: criteria provided, single submitter. Criteria: GeneDx Variant Classification Process June 2021. Collection method: clinical testing. Allele origin: germline. Affected: yes.
Comment: Observed in the homozygous state, with a pathogenic variant on the opposite allele (in trans), or with a second ALDH7A1 variant, phase unknown, in individuals with pyridoxine-dependent epilepsy in the published literature and not observed in homozygous state in controls (PMID: 30043187, 17068770); Canonical splice site variant predicted to result in a null allele in a gene for which loss of function is a known mechanism of disease; Not observed at significant frequency in large population cohorts (gnomAD); Previously reported as c.1482-1 G>T due to alternative nomenclature; This variant is associated with the following publications: (PMID: 31589614, 29286531, 31990480, 17068770, 36011376, 30043187, 31440721, 31623504)

Molecular Genetics, Royal Melbourne Hospital
Classification: Pathogenic for Pyridoxine-dependent epilepsy caused by ALDH7A1 mutant. Last evaluated: 2023-09-04. Review status: criteria provided, single submitter. Criteria: ACMG Guidelines, 2015. Collection method: clinical testing. Allele origin: germline. Inheritance: Autosomal recessive inheritance.
Comment: This sequence change in ALDH7A1 occurs within the canonical splice acceptor site of intron 17. It is predicted to cause the activation of the cryptic splice site in exon 18 leading to an in-frame five amino acid deletion (removes amino acids 495-499) which has been confirmed by RT-PCR on patient lymphoblast cells (PMID: 23350806). The highest population minor allele frequency in the population database gnomAD v2.1 is 0.004% (4/113,332 alleles) in the European (non-Finnish) population. This variant has been detected in multiple individuals with pyridoxine-dependent epilepsy, homozygous and compound heterozygous with a second pathogenic variant (PMID: 23350806, 17068770, 31990480, 30043187). Based on the classification scheme RMH Modified ACMG/AMP Guidelines v1.6.1, this variant is classified as PATHOGENIC. Following criteria are met: PVS1_Moderate, PM3_VeryStrong, PM2_Supporting

Labcorp Genetics (formerly Invitae), Labcorp
Classification: Pathogenic for Pyridoxine-dependent epilepsy. Last evaluated: 2023-08-29. Review status: criteria provided, single submitter. Criteria: Invitae Variant Classification Sherloc (09022015). Collection method: clinical testing. Allele origin: germline.
Comment: For these reasons, this variant has been classified as Pathogenic. Variants that disrupt the consensus splice site are a relatively common cause of aberrant splicing (PMID: 17576681, 9536098). Studies have shown that disruption of this splice site results in the activation of a cryptic splice site in exon 18 (PMID: 23350806). ClinVar contains an entry for this variant (Variation ID: 374140). This variant is also known as c.1482-1G>T. Disruption of this splice site has been observed in individual(s) with pyridoxine dependent epilepsy (PMID: 17068770, 23350806). It has also been observed to segregate with disease in related individuals. This variant is present in population databases (rs140845195, gnomAD 0.004%). This sequence change affects an acceptor splice site in intron 17 of the ALDH7A1 gene. RNA analysis indicates that disruption of this splice site induces altered splicing and likely results in the loss of 5 amino acid residue(s), but is expected to preserve the integrity of the reading-frame.

Genome-Nilou Lab
Classification: Pathogenic for Pyridoxine-dependent epilepsy. Last evaluated: 2023-04-11. Review status: criteria provided, single submitter. Criteria: ACMG Guidelines, 2015. Collection method: clinical testing. Allele origin: germline. Affected: no.

CeGaT Center for Human Genetics Tuebingen
Classification: Pathogenic. Last evaluated: 2022-01-01. Review status: criteria provided, single submitter. Criteria: CeGaT Center For Human Genetics Tuebingen Variant Classification Criteria Version 2. Collection method: clinical testing. Allele origin: germline. Affected: yes. Observed: 1 variant allele.

Centre for Mendelian Genomics, University Medical Centre Ljubljana
Classification: Pathogenic for Pyridoxine-dependent epilepsy. Last evaluated: 2019-11-05. Review status: criteria provided, single submitter. Criteria: ACMG Guidelines, 2015. Collection method: clinical testing. Allele origin: unknown. Affected: yes.
Comment: This variant was classified as: Pathogenic. The following ACMG criteria were applied in classifying this variant: PVS1,PS1,PM2.

Centre for Mendelian Genomics, University Medical Centre Ljubljana
Classification: Pathogenic for Seizure; Ventriculomegaly. Last evaluated: 2015-01-15. Review status: criteria provided, single submitter. Criteria: ACMG Guidelines, 2015. Collection method: clinical testing. Allele origin: unknown. Affected: yes.

PreventionGenetics, part of Exact Sciences
Classification: Pathogenic for ALDH7A1-related condition. Last evaluated: 2024-01-02. Review status: no assertion criteria provided. Collection method: clinical testing. Allele origin: germline. Not counted in ClinVar's aggregate classification.
Comment: The ALDH7A1 c.1566-1G>T variant is predicted to disrupt the AG splice acceptor site and interfere with normal splicing. This variant has been reported in individuals with pyridoxine-dependent epilepsy (Plecko et al. 2007. PubMed ID: 17068770; Pérez et al. 2013. PubMed ID: 23350806; Coughlin et al. 2019. PubMed ID: 30043187. Table S2). This variant is reported in 0.0035% of alleles in individuals of European (Non-Finnish) descent in gnomAD. Variants that disrupt the consensus splice acceptor site in ALDH7A1 are expected to be pathogenic. This variant is interpreted as pathogenic.

Literature cited by the submitters: PubMed 17068770 (cited by Molecular Genetics, Royal Melbourne Hospital and Labcorp Genetics (formerly Invitae), Labcorp); PubMed 23350806 (cited by Molecular Genetics, Royal Melbourne Hospital and Labcorp Genetics (formerly Invitae), Labcorp); PubMed 30043187 (cited by Molecular Genetics, Royal Melbourne Hospital); PubMed 31990480 (cited by Molecular Genetics, Royal Melbourne Hospital); PubMed 17576681 (cited by Labcorp Genetics (formerly Invitae), Labcorp); PubMed 9536098 (cited by Labcorp Genetics (formerly Invitae), Labcorp).